The following is an entry in ClinVar:

NM_001401501.2(MUC16):c.42945C>T (p.Thr14315=)

Gene: MUC16 (mucin 16, cell surface associated; minus strand). Cytogenetic location: 19p13.2.
Variant type: single nucleotide variant.
Coding change: c.42945C>T on transcript NM_001401501.2 (MANE Select); coding-DNA position 42945, C replaced by T.
Protein change: p.Thr14315=; no amino-acid change (threonine 14315 retained).
Molecular consequence: synonymous variant.
Genome position (GRCh38, 1-based): chr19:8,889,889, G>A on the plus strand (C>T on the coding strand, the complement: MUC16 is on the minus strand). VCF-style: chr19-8889889-G-A. GRCh37 (hg19) VCF-style: chr19-9000565-G-A.
Other names: c.43371C>T, p.Thr14457= (NM_001414686.1); c.42825C>T, p.Thr14275= (NM_001414687.1); c.40419C>T, p.Thr13473= (NM_024690.2).
Identifiers: ClinVar variation 2649221 (VCV002649221.24), dbSNP rs202012425, ClinGen allele CA9163354.

ClinVar aggregate classification (germline): Likely benign (1 of 4 stars; one submission).

Allele frequency attached by ClinVar (database versions not stated): ExAC 0.00021; ESP Exome Variant Server 0.00025; gnomAD 0.00027; TOPMed 0.00031.

Submission:

CeGaT Center for Human Genetics Tuebingen
Classification: Likely benign. Last evaluated: 2022-04-01. Review status: criteria provided, single submitter. Criteria: CeGaT Center For Human Genetics Tuebingen Variant Classification Criteria Version 2. Collection method: clinical testing. Allele origin: germline. Affected: yes. Observed: 1 variant allele.
Comment: MUC16: BP4, BP7